The following is an entry in ClinVar:

ClinVar aggregate classification (germline): Pathogenic. Review status: reviewed by expert panel (3 of 4 stars). 6 submissions from 6 submitters: Pathogenic (1). 5 of the submissions do not count toward it. Last evaluated 2016-09-08.

Conditions:
Hereditary cancer-predisposing syndrome. Also called: Tumor predisposition; Hereditary neoplastic syndrome; Hereditary Cancer Syndrome; Neoplastic Syndromes, Hereditary. Identifiers: Orphanet 140162, MedGen C0027672, MeSH D009386, MONDO:0015356.
Breast-ovarian cancer, familial, susceptibility to, 1 (BROVCA1). Also called: BRCA1 Hereditary Breast and Ovarian Cancer; OVARIAN CANCER, SUSCEPTIBILITY TO. Identifiers: Orphanet 145, MedGen C2676676, MONDO:0011450, OMIM 604370. Disease mechanism: loss of function.

Submissions (6):

Evidence-based Network for the Interpretation of Germline Mutant Alleles (ENIGMA)
Classification: Pathogenic for Breast-ovarian cancer, familial, susceptibility to, 1. Last evaluated: 2016-09-08. Review status: reviewed by expert panel. Criteria: ENIGMA BRCA1/2 Classification Criteria (2015). Collection method: curation. Allele origin: germline.
Comment: Variant allele predicted to encode a truncated non-functional protein.

Ambry Genetics
Classification: Pathogenic for Hereditary cancer-predisposing syndrome. Last evaluated: 2023-08-08. Review status: criteria provided, single submitter. Criteria: Ambry Variant Classification Scheme 2023. Collection method: clinical testing. Allele origin: germline. Not counted in ClinVar's aggregate classification.
Comment: The c.1695dupG pathogenic mutation, located in coding exon 9 of the BRCA1 gene, results from a duplication of G at nucleotide position 1695, causing a translational frameshift with a predicted alternate stop codon (p.K566Efs*4). This alteration has been reported in breast and/or ovarian cancer patients (Kluska A et al. BMC Med Genomics, 2015 May;8:19; Heramb C et al. Hered Cancer Clin Pract, 2018 Jan;16:3; Arvai KJ et al. Hered Cancer Clin Pract, 2019 Jul;17:19). This variant is considered to be rare based on population cohorts in the Genome Aggregation Database (gnomAD). In addition to the clinical data presented in the literature, this alteration is expected to result in loss of function by premature protein truncation or nonsense-mediated mRNA decay. As such, this alteration is interpreted as a disease-causing mutation.

Department of Medical Genetics, Oslo University Hospital
Classification: Pathogenic for Breast-ovarian cancer, familial, susceptibility to, 1. Last evaluated: 2015-07-01. Review status: criteria provided, single submitter. Criteria: ACMG Guidelines, 2015. Collection method: clinical testing. Allele origin: germline. Affected: yes. Observed: 1 variant allele. Not counted in ClinVar's aggregate classification.

Quest Diagnostics Nichols Institute San Juan Capistrano
Classification: Pathogenic for Breast-ovarian cancer, familial, susceptibility to, 1. Last evaluated: 2015-03-02. Review status: criteria provided, single submitter. Criteria: Quest Diagnostics criteria. Collection method: clinical testing. Allele origin: germline. Inheritance: Autosomal dominant inheritance. Not counted in ClinVar's aggregate classification.

GeneDx
Classification: Pathogenic. Last evaluated: 2015-01-30. Review status: criteria provided, single submitter. Criteria: GeneDx Variant Classification (06012015). Collection method: clinical testing. Allele origin: germline. Affected: yes. Not counted in ClinVar's aggregate classification.
Comment: This duplication of one nucleotide in BRCA1 is denoted c.1695dupG at the cDNA level and p.Lys566GlufsX4 (K566EfsX4) at the protein level. The normal sequence, with the base that is duplicated in brackets, is ATGA[G]AAAAAT. The duplication causes a frameshift, which changes a Lysine to a Glutamic Acid at codon 566, and creates a premature stop codon at position 4 of the new reading frame. This variant is predicted to cause loss of normal protein function through either protein truncation or nonsense-mediated mRNA decay. BRCA1 c.1695dupG, previously reported as 1814dupG, has been reported in the Breast Cancer Information Core (BIC) database as being clinically significant. we consider this variant to be pathogenic.

Breast Cancer Information Core (BIC) (BRCA1)
Classification: Pathogenic for Breast-ovarian cancer, familial 1. Last evaluated: 2005-07-21. Review status: no assertion criteria provided. Collection method: clinical testing. Allele origin: germline. Affected: yes. Observed: 1 variant allele. Not counted in ClinVar's aggregate classification.

Literature cited by the submitters: PubMed 25948282 (cited by Ambry Genetics); PubMed 29339979 (cited by Ambry Genetics); PubMed 31341520 (cited by Ambry Genetics); PubMed 26295337 (cited by Quest Diagnostics Nichols Institute San Juan Capistrano).

NM_007294.4(BRCA1):c.1695dup (p.Lys566fs)

Gene: BRCA1 (BRCA1 DNA repair associated; minus strand). Cytogenetic location: 17q21.31.
Variant type: Duplication.
Coding change: c.1695dup on transcript NM_007294.4 (MANE Select); coding-DNA position 1695, one base duplicated (G; older notation c.1695dupG).
Protein change: p.Lys566fs; shifts the reading frame from lysine 566.
Molecular consequence: frameshift variant. On other transcripts: intron variant (137).
Genome position (GRCh38, 1-based): chr17:43,093,836, C duplicated on the plus strand (G on the coding strand, the reverse complement: BRCA1 is on the minus strand). VCF-style (leftmost placement, unchanged base first): chr17-43093835-T-TC. GRCh37 (hg19) VCF-style: chr17-41245852-T-TC.
Other names: 1814insG; c.1695dupG (NM_007294.3); c.1431dup, p.Lys478fs (NM_001407920.1, NM_001407921.1, NM_001407922.1 and 9 more transcripts); c.1428dup, p.Lys477fs (NM_001407930.1, NM_001407931.1, NM_001407932.1 and 2 more transcripts); c.1572dup, p.Lys525fs (NM_001407937.1, NM_001407938.1, NM_001407939.1 and 19 more transcripts); c.1569dup, p.Lys524fs (NM_001407940.1, NM_001407941.1, NM_001407649.1 and 11 more transcripts); c.1554dup, p.Lys519fs (NM_001407942.1, NM_001407944.1, NM_001407945.1 and 29 more transcripts); c.1551dup, p.Lys518fs (NM_001407943.1, NM_001407964.1, NM_001407740.1 and 20 more transcripts); and 42 more; short protein forms K519fs, K566fs, K398fs, K495fs, K540fs, K439fs, K454fs, K496fs.
Identifiers: ClinVar variation 125507 (VCV000125507.7), dbSNP rs273897664, ClinGen allele CA001111.
Genomic context (GRCh38, chr17:43,093,835, plus strand): 5'-GTTCAGCTTTCGTTTTGAAAGCAGATTCTTTTTCGAGTGATTCTATTGGGTTAGGATTTT[T>TC]CTCATTCTGAATAGAATCACCTTTTGTTTTATTCTCATGACCACTATTAGTAATATTCAT-3'